The following is an entry in ClinVar:

NM_001378454.1(ALMS1):c.12182T>G (p.Leu4061Ter)

Genes: ALMS1 (ALMS1 centrosome and basal body associated protein; plus strand), LOC126806252 (BRD4-independent group 4 enhancer GRCh37_chr2:73828496-73829695; plus strand). Cytogenetic location: 2p13.1.
Variant type: single nucleotide variant.
Coding change: c.12182T>G on transcript NM_001378454.1 (MANE Select); coding-DNA position 12182, T replaced by G.
Protein change: p.Leu4061Ter; replaces leucine 4061 with a stop codon.
Molecular consequence: nonsense.
Genome position (GRCh38, 1-based): chr2:73,602,252, T>G. VCF-style: chr2-73602252-T-G. GRCh37 (hg19) VCF-style: chr2-73829379-T-G.
Other names: c.12185T>G, p.Leu4062Ter (NM_015120.4); short protein forms L4061*, L4062*.
Identifiers: ClinVar variation 4815768 (VCV004815768.1).

ClinVar aggregate classification (germline): Likely pathogenic (1 of 4 stars; one submission).

Conditions:
Alstrom syndrome (ALMS). Identifiers: Orphanet 64, MedGen C0268425, MONDO:0008763, OMIM 203800.

Submission:

Natera, Inc.
Classification: Likely pathogenic for Alstrom syndrome. Last evaluated: 2025-10-30. Review status: criteria provided, single submitter. Criteria: Natera Variant Classification Schema (03/2026). Collection method: clinical testing. Allele origin: germline.
Comment: The c.12185T>G variant in ALMS1 is a nonsense variant predicted to introduce a stop codon at amino acid 4062. This variant is expected to result in nonsense mediated decay, truncation, or a dysfunctional protein product. This variant is rare in the general population with a frequency below the threshold expected for the associated phenotype(s). Given the available evidence, this variant is classified as Likely Pathogenic.